The following is an entry in ClinVar:

NM_000016.6(ACADM):c.927C>G (p.Phe309Leu)

Gene: ACADM (acyl-CoA dehydrogenase medium chain; plus strand). Cytogenetic location: 1p31.1.
Variant type: single nucleotide variant.
Coding change: c.927C>G on transcript NM_000016.6 (MANE Select); coding-DNA position 927, C replaced by G.
Protein change: p.Phe309Leu; replaces phenylalanine 309 with leucine.
Molecular consequence: missense variant.
Genome position (GRCh38, 1-based): chr1:75,750,528, C>G. VCF-style: chr1-75750528-C-G. GRCh37 (hg19) VCF-style: chr1-76216213-C-G.
Other names: c.939C>G, p.Phe313Leu (NM_001127328.3); c.819C>G, p.Phe273Leu (NM_001286042.2); c.1026C>G, p.Phe342Leu (NM_001286043.2); c.360C>G, p.Phe120Leu (NM_001286044.2); short protein forms F309L, F342L, F120L, F313L, F273L.
Identifiers: ClinVar variation 1481949 (VCV001481949.6), dbSNP rs771550655, ClinGen allele CA340817175.

ClinVar aggregate classification (germline): Uncertain significance (1 of 4 stars; one submission).

Conditions:
Medium-chain acyl-coenzyme A dehydrogenase deficiency (ACADMD). Also called: MCADD; MCAD Deficiency; ACADM DEFICIENCY; Medium chain acyl-CoA dehydrogenase deficiency; MCADH DEFICIENCY; CARNITINE DEFICIENCY SECONDARY TO MEDIUM-CHAIN ACYL-CoA DEHYDROGENASE DEFICIENCY. Identifiers: Orphanet 42, MedGen C0220710, MONDO:0008721, OMIM 201450.

gnomAD v4.1: 2 of 1,611,352 alleles (0.00012%); highest among the groups gnomAD compares: African/African-American, 0.0027%; no homozygotes.

Submission:

Labcorp Genetics (formerly Invitae), Labcorp
Classification: Uncertain significance for Medium-chain acyl-coenzyme A dehydrogenase deficiency. Last evaluated: 2022-01-16. Review status: criteria provided, single submitter. Criteria: Invitae Variant Classification Sherloc (09022015). Collection method: clinical testing. Allele origin: germline.
Comment: In summary, the available evidence is currently insufficient to determine the role of this variant in disease. Therefore, it has been classified as a Variant of Uncertain Significance. Advanced modeling of protein sequence and biophysical properties (such as structural, functional, and spatial information, amino acid conservation, physicochemical variation, residue mobility, and thermodynamic stability) performed at Invitae indicates that this missense variant is expected to disrupt ACADM protein function. This variant has not been reported in the literature in individuals affected with ACADM-related conditions. This variant is not present in population databases (gnomAD no frequency). This sequence change replaces phenylalanine, which is neutral and non-polar, with leucine, which is neutral and non-polar, at codon 309 of the ACADM protein (p.Phe309Leu).